The following is an entry in ClinVar:

ClinVar aggregate classification (germline): Likely pathogenic. Review status: criteria provided, multiple submitters, no conflicts (2 of 4 stars). 2 submissions from 2 submitters: Likely pathogenic (2). Last evaluated 2025-12-03.

Conditions:
Retinitis pigmentosa 25 (RP25). Identifiers: Orphanet 791, MedGen C1864446, MONDO:0011272, OMIM 602772.

gnomAD v4.1: 2 of 1,551,300 alleles (0.00013%); highest among the groups gnomAD compares: South Asian, 0.0024%; no homozygotes.

Submissions (2):

Natera, Inc.
Classification: Likely pathogenic for Retinitis pigmentosa type 25. Last evaluated: 2025-12-03. Review status: criteria provided, single submitter. Criteria: Natera Variant Classification Schema (03/2026). Collection method: clinical testing. Allele origin: germline.
Comment: The c.4510C>T variant in EYS is a nonsense variant predicted to introduce a stop codon at amino acid 1504. This variant is expected to result in nonsense mediated decay, truncation, or a dysfunctional protein product. This variant is rare in the general population with a frequency below the threshold expected for the associated phenotype(s). Given the available evidence, this variant is classified as Likely Pathogenic.

Baylor Genetics
Classification: Likely pathogenic for Retinitis pigmentosa 25. Last evaluated: 2023-11-21. Review status: criteria provided, single submitter. Criteria: ACMG Guidelines, 2015. Collection method: clinical testing. Allele origin: unknown.

NM_001142800.2(EYS):c.4510C>T (p.Gln1504Ter)

Gene: EYS (EGF-like photoreceptor maintenance factor; minus strand). Cytogenetic location: 6q12.
Variant type: single nucleotide variant.
Coding change: c.4510C>T on transcript NM_001142800.2 (MANE Select); coding-DNA position 4510, C replaced by T.
Protein change: p.Gln1504Ter; replaces glutamine 1504 with a stop codon.
Molecular consequence: nonsense.
Genome position (GRCh38, 1-based): chr6:64,591,357, G>A on the plus strand (C>T on the coding strand, the complement: EYS is on the minus strand). VCF-style: chr6-64591357-G-A. GRCh37 (hg19) VCF-style: chr6-65301250-G-A.
Other names: c.4510C>T, p.Gln1504Ter (NM_001292009.2); c.4510C>T (NM_001142800.1); short protein forms Q1504*.
Identifiers: ClinVar variation 3241514 (VCV003241514.2), dbSNP rs1420929225.